The following is an entry in ClinVar:

NM_018486.3(HDAC8):c.164G>C (p.Arg55Thr)

Gene: HDAC8 (histone deacetylase 8; minus strand). Cytogenetic location: Xq13.1.
Variant type: single nucleotide variant.
Coding change: c.164G>C on transcript NM_018486.3 (MANE Select); coding-DNA position 164, G replaced by C.
Protein change: p.Arg55Thr; replaces arginine 55 with threonine.
Molecular consequence: missense variant. On other transcripts: non-coding transcript variant (5).
Genome position (GRCh38, 1-based): chrX:72,572,057, C>G on the plus strand (G>C on the coding strand, the complement: HDAC8 is on the minus strand). VCF-style: chrX-72572057-C-G. GRCh37 (hg19) VCF-style: chrX-71791907-C-G.
Other names: c.164G>C, p.Arg55Thr (NM_001410730.1, NM_001441234.1, NM_001166418.2 and 8 more transcripts); short protein forms R55T.
Identifiers: ClinVar variation 4716833 (VCV004716833.1).

ClinVar aggregate classification (germline): Uncertain significance (1 of 4 stars; one submission).

Conditions:
Cornelia de Lange syndrome 5 (CDLS5). Also called: HDAC8-Related Cornelia de Lange Syndrome. Identifiers: Orphanet 199, MedGen C3550903, MONDO:0010471, OMIM 300882.

Submission:

Labcorp Genetics (formerly Invitae), Labcorp
Classification: Uncertain significance for Cornelia de Lange syndrome 5. Last evaluated: 2025-05-04. Review status: criteria provided, single submitter. Criteria: Invitae Variant Classification Sherloc (09022015). Collection method: clinical testing. Allele origin: germline.
Comment: This sequence change replaces arginine, which is basic and polar, with threonine, which is neutral and polar, at codon 55 of the HDAC8 protein (p.Arg55Thr). This variant also falls at the last nucleotide of exon 2, which is part of the consensus splice site for this exon. This variant is not present in population databases (gnomAD no frequency). This variant has not been reported in the literature in individuals affected with HDAC8-related conditions. An algorithm developed to predict the effect of missense changes on protein structure and function (PolyPhen-2) suggests that this variant is likely to be tolerated. Variants that disrupt the consensus splice site are a relatively common cause of aberrant splicing (PMID: 17576681, 9536098). Algorithms developed to predict the effect of sequence changes on RNA splicing suggest that this variant may disrupt the consensus splice site. In summary, the available evidence is currently insufficient to determine the role of this variant in disease. Therefore, it has been classified as a Variant of Uncertain Significance.

Literature cited by the submitters: PubMed 17576681; PubMed 9536098.